The following is an entry in ClinVar:

ClinVar aggregate classification (germline): Uncertain significance (1 of 4 stars; one submission).

Conditions:
Hajdu-Cheney syndrome (HJCYS). Also called: Acroosteolysis dominant type; ACROOSTEOLYSIS WITH OSTEOPOROSIS AND CHANGES IN SKULL AND MANDIBLE; SERPENTINE FIBULA-POLYCYSTIC KIDNEY SYNDROME. Identifiers: Orphanet 955, MedGen C0917715, MONDO:0007057, OMIM 102500.

Submission:

Labcorp Genetics (formerly Invitae), Labcorp
Classification: Uncertain significance for Hajdu-Cheney syndrome. Last evaluated: 2024-04-01. Review status: criteria provided, single submitter. Criteria: Invitae Variant Classification Sherloc (09022015). Collection method: clinical testing. Allele origin: germline.
Comment: This sequence change replaces arginine, which is basic and polar, with histidine, which is basic and polar, at codon 318 of the NOTCH2 protein (p.Arg318His). This variant is not present in population databases (gnomAD no frequency). This variant has not been reported in the literature in individuals affected with NOTCH2-related conditions. Advanced modeling of protein sequence and biophysical properties (such as structural, functional, and spatial information, amino acid conservation, physicochemical variation, residue mobility, and thermodynamic stability) performed at Invitae indicates that this missense variant is not expected to disrupt NOTCH2 protein function with a negative predictive value of 95%. In summary, the available evidence is currently insufficient to determine the role of this variant in disease. Therefore, it has been classified as a Variant of Uncertain Significance.

NM_024408.4(NOTCH2):c.953G>A (p.Arg318His)

Gene: NOTCH2 (notch receptor 2; minus strand). Cytogenetic location: 1p12.
Variant type: single nucleotide variant.
Coding change: c.953G>A on transcript NM_024408.4 (MANE Select); coding-DNA position 953, G replaced by A.
Protein change: p.Arg318His; replaces arginine 318 with histidine.
Molecular consequence: missense variant.
Genome position (GRCh38, 1-based): chr1:119,969,666, C>T on the plus strand (G>A on the coding strand, the complement: NOTCH2 is on the minus strand). VCF-style: chr1-119969666-C-T. GRCh37 (hg19) VCF-style: chr1-120512289-C-T.
Other names: c.953G>A, p.Arg318His (NM_001200001.2); short protein forms R318H.
Identifiers: ClinVar variation 3635173 (VCV003635173.2).
Genomic context (GRCh38, chr1:119,969,666, plus strand): 5'-TTCTCACTGCAGTCATCTCCACTCCAGCCGTTGACACATACACAGCCATAGCCTCCATTG[C>T]GGTTGGCACAGGTGCCCCCATTTTGACAGGCATTGGGCTGCAGCAGGCATTCATCCACAT-3'
Protein context (NP_077719.2, residues 308-328): ACQNGGTCAN[Arg318His]NGGYGCVCVN